The following is an entry in ClinVar:

ClinVar aggregate classification (germline): Uncertain significance. Review status: criteria provided, multiple submitters, no conflicts (2 of 4 stars). 2 submissions from 2 submitters: Uncertain significance (2). Last evaluated 2025-05-12.

Conditions:
Inborn genetic diseases. Identifiers: MedGen C0950123, MeSH D030342.
Developmental delay with autism spectrum disorder and gait instability (MRT38). Also called: Intellectual developmental disorder, autosomal recessive 38. Identifiers: Orphanet 329195, MedGen C3809753, MONDO:0014224, OMIM 615516.

Allele frequency attached by ClinVar (database versions not stated): TOPMed 0.00002; ExAC 0.00001; gnomAD 0.00001; 1000 Genomes Project 0.00020; 1000 Genomes Project 30x 0.00016.
gnomAD v4.1: 14 of 1,614,204 alleles (0.00087%); highest among the groups gnomAD compares: Middle Eastern, 0.016%; no homozygotes.

Submissions (2):

Dasa
Classification: Uncertain significance for Developmental delay with autism spectrum disorder and gait instability. Last evaluated: 2025-05-12. Review status: criteria provided, single submitter. Criteria: DASA Assertion Criteria. Collection method: clinical testing. Allele origin: germline.
Comment: NM_004667.6(HERC2):c.10315G>A (p.Ala3439Thr) is a missense variant that results in the substitution of alanine with threonine. This variant is rare in population databases. Computational prediction algorithms are consistent with a benign effect. The currently available literature and clinical evidence are not sufficient to establish a definitive association between this variant and the reported condition. Therefore, this variant is classified as a variant of uncertain significance.

Ambry Genetics
Classification: Uncertain significance for Inborn genetic diseases. Last evaluated: 2022-08-02. Review status: criteria provided, single submitter. Criteria: Ambry Variant Classification Scheme 2023. Collection method: clinical testing. Allele origin: germline.

NM_004667.6(HERC2):c.10315G>A (p.Ala3439Thr)

Gene: HERC2 (HECT and RLD domain containing E3 ubiquitin protein ligase 2; minus strand). Cytogenetic location: 15q13.1.
Variant type: single nucleotide variant.
Coding change: c.10315G>A on transcript NM_004667.6 (MANE Select); coding-DNA position 10315, G replaced by A.
Protein change: p.Ala3439Thr; replaces alanine 3439 with threonine.
Molecular consequence: missense variant.
Genome position (GRCh38, 1-based): chr15:28,168,505, C>T on the plus strand (G>A on the coding strand, the complement: HERC2 is on the minus strand). VCF-style: chr15-28168505-C-T. GRCh37 (hg19) VCF-style: chr15-28413651-C-T.
Other names: short protein forms A3439T.
Identifiers: ClinVar variation 2370074 (VCV002370074.4), dbSNP rs549800096, ClinGen allele CA7440882.